The following continues an entry in ClinVar:

NM_000218.3(KCNQ1):c.1927G>A (p.Gly643Ser)

ClinVar aggregate classification (germline): Benign. Benign (1).

Submissions 18 to 21 of 21:

Cardiovascular Biomedical Research Unit, Royal Brompton & Harefield NHS Foundation Trust
No classification provided. Review status: no classification provided. Collection method: literature only. Allele origin: germline. Not counted in ClinVar's aggregate classification.
Comment: This variant has been reported in the following publications (PMID:9799083;PMID:10807545;PMID:11761407;PMID:14661677;PMID:15028050;PMID:15500450;PMID:16038262;PMID:16487223;PMID:17016049;PMID:18426444;PMID:19841300).

Clinical Genetics, Academic Medical Center
Classification: Benign. Review status: no assertion criteria provided. Collection method: clinical testing. Allele origin: germline. Affected: yes. Study: VKGL Data-share Consensus. Not counted in ClinVar's aggregate classification.

Genome Diagnostics Laboratory, University Medical Center Utrecht
Classification: Benign. Review status: no assertion criteria provided. Collection method: clinical testing. Allele origin: germline. Affected: yes. Study: VKGL Data-share Consensus. Not counted in ClinVar's aggregate classification.

Joint Genome Diagnostic Labs from Nijmegen and Maastricht, Radboudumc and MUMC+
Classification: Benign. Review status: no assertion criteria provided. Collection method: clinical testing. Allele origin: germline. Affected: yes. Study: VKGL Data-share Consensus. Not counted in ClinVar's aggregate classification.

Literature cited by the submitters: PubMed 28704380 (cited by Athena Diagnostics); PubMed 26385840 (cited by Athena Diagnostics); PubMed 26159999 (cited by Athena Diagnostics); PubMed 24284363 (cited by Athena Diagnostics); PubMed 24762593 (cited by Athena Diagnostics); PubMed 24388587 (cited by Athena Diagnostics); PubMed 22378279 (cited by Athena Diagnostics); PubMed 22949429 (cited by Athena Diagnostics); PubMed 11761407 (cited by Athena Diagnostics and Cardiovascular Biomedical Research Unit, Royal Brompton & Harefield NHS Foundation Trust); PubMed 9799083 (cited by Cardiovascular Biomedical Research Unit, Royal Brompton & Harefield NHS Foundation Trust); PubMed 10807545 (cited by Cardiovascular Biomedical Research Unit, Royal Brompton & Harefield NHS Foundation Trust); PubMed 14661677 (cited by Cardiovascular Biomedical Research Unit, Royal Brompton & Harefield NHS Foundation Trust); PubMed 15028050 (cited by Cardiovascular Biomedical Research Unit, Royal Brompton & Harefield NHS Foundation Trust); PubMed 15500450 (cited by Cardiovascular Biomedical Research Unit, Royal Brompton & Harefield NHS Foundation Trust); PubMed 16038262 (cited by Cardiovascular Biomedical Research Unit, Royal Brompton & Harefield NHS Foundation Trust); PubMed 16487223 (cited by Cardiovascular Biomedical Research Unit, Royal Brompton & Harefield NHS Foundation Trust); PubMed 17016049 (cited by Cardiovascular Biomedical Research Unit, Royal Brompton & Harefield NHS Foundation Trust); PubMed 18426444 (cited by Cardiovascular Biomedical Research Unit, Royal Brompton & Harefield NHS Foundation Trust); PubMed 19841300 (cited by Cardiovascular Biomedical Research Unit, Royal Brompton & Harefield NHS Foundation Trust); PubMed 22581653 (cited by Cardiovascular Biomedical Research Unit, Royal Brompton & Harefield NHS Foundation Trust).